The following is an entry in ClinVar:

ClinVar aggregate classification (germline): Likely benign (1 of 4 stars; one submission).

gnomAD v4.1: 28 of 701,590 alleles (0.004%); highest among the groups gnomAD compares: Non-Finnish European, 0.0073%; no homozygotes.

Submission:

CeGaT Center for Human Genetics Tuebingen
Classification: Likely benign. Last evaluated: 2025-07-01. Review status: criteria provided, single submitter. Criteria: CeGaT Center For Human Genetics Tuebingen Variant Classification Criteria Version 2. Collection method: clinical testing. Allele origin: germline. Affected: yes. Observed: 2 variant alleles.
Comment: DUXB: BP4, BP7

NM_001351307.2(DUXB):c.543T>C (p.Val181=)

Gene: DUXB (double homeobox B; minus strand). Cytogenetic location: 16q23.1.
Variant type: single nucleotide variant.
Coding change: c.543T>C on transcript NM_001351307.2 (MANE Select); coding-DNA position 543, T replaced by C.
Protein change: p.Val181=; no amino-acid change (valine 181 retained).
Molecular consequence: synonymous variant.
Genome position (GRCh38, 1-based): chr16:75,694,424, A>G on the plus strand (T>C on the coding strand, the complement: DUXB is on the minus strand). VCF-style: chr16-75694424-A-G. GRCh37 (hg19) VCF-style: chr16-75728322-A-G.
Other names: c.282T>C, p.Val94= (NM_001351308.2); c.102T>C, p.Val34= (NM_001351309.2).
Identifiers: ClinVar variation 3898305 (VCV003898305.7).